The following is an entry in ClinVar:

ClinVar aggregate classification (germline): Uncertain significance (1 of 4 stars; one submission).

Conditions:
Hereditary cancer-predisposing syndrome. Also called: Tumor predisposition; Hereditary neoplastic syndrome; Hereditary Cancer Syndrome; Neoplastic Syndromes, Hereditary. Identifiers: Orphanet 140162, MedGen C0027672, MeSH D009386, MONDO:0015356.

gnomAD v4.1: 1 of 1,613,544 alleles (0.000062%); highest among the groups gnomAD compares: Non-Finnish European, 0.000085%; no homozygotes.

Submission:

Ambry Genetics
Classification: Uncertain significance for Hereditary cancer-predisposing syndrome. Last evaluated: 2025-05-23. Review status: criteria provided, single submitter. Criteria: Ambry Variant Classification Scheme 2023. Collection method: clinical testing. Allele origin: germline.
Comment: The p.T867I variant (also known as c.2600C>T), located in coding exon 16 of the RAD50 gene, results from a C to T substitution at nucleotide position 2600. The threonine at codon 867 is replaced by isoleucine, an amino acid with similar properties. This amino acid position is conserved. In addition, this alteration is predicted to be tolerated by in silico analysis. Based on the available evidence, the clinical significance of this variant remains unclear.

NM_005732.4(RAD50):c.2600C>T (p.Thr867Ile)

Gene: RAD50 (RAD50 double strand break repair protein; plus strand). Cytogenetic location: 5q31.1.
Variant type: single nucleotide variant.
Coding change: c.2600C>T on transcript NM_005732.4 (MANE Select); coding-DNA position 2600, C replaced by T.
Protein change: p.Thr867Ile; replaces threonine 867 with isoleucine.
Molecular consequence: missense variant.
Genome position (GRCh38, 1-based): chr5:132,604,881, C>T. VCF-style: chr5-132604881-C-T. GRCh37 (hg19) VCF-style: chr5-131940573-C-T.
Other names: short protein forms T867I.
Identifiers: ClinVar variation 3942200 (VCV003942200.1).